The following is an entry in ClinVar:

ClinVar aggregate classification (germline): Uncertain significance (1 of 4 stars; one submission).

Conditions:
Hereditary cancer-predisposing syndrome. Also called: Neoplastic Syndromes, Hereditary; Tumor predisposition; Hereditary Cancer Syndrome; Hereditary neoplastic syndrome. Identifiers: Orphanet 140162, MedGen C0027672, MeSH D009386, MONDO:0015356.

Submission:

Ambry Genetics
Classification: Uncertain significance for Hereditary cancer-predisposing syndrome. Last evaluated: 2022-10-27. Review status: criteria provided, single submitter. Criteria: Ambry Variant Classification Scheme 2023. Collection method: clinical testing. Allele origin: germline.
Comment: The c.762_763insAlu variant results from the insertion of an Alu element between nucleotides 762 and 763 in coding exon 4 of the MSH3 gene. Mobile element insertions contribute to pathogenicity by either disrupting the coding sequence or inducing aberrant splicing (Belancio VP et al. Semin. Cancer Biol. 2010 Aug;20:200-10; Deininger P et al. Genome Biol. 2011 Dec;12:236; van der Klift HM Hum Mutat. 2012 Jul;33(7):1051-5). One possible aberrant splice effect would be in-frame and, therefore, not expected to trigger nonsense-mediated mRNAdecay; however, direct evidence is insufficient at this time (Ambry internal data). The exact functional effect of the altered amino acid sequence is unknown. Since supporting evidence is limited at this time, the clinical significance of this alteration remains unclear.

NM_002439.3:c.762_763insALU

Gene: MSH3 (mutS homolog 3; plus strand).
Variant type: Insertion.
Identifiers: ClinVar variation 1759846 (VCV001759846.2).